The following is an entry in ClinVar:

ClinVar aggregate classification (germline): Uncertain significance (1 of 4 stars; one submission).

Conditions:
Lymphatic malformation 3 (LMPHM3). Identifiers: Orphanet 79452, MedGen C4747646, MONDO:0013278, OMIM 613480.

Allele frequency attached by ClinVar (database versions not stated): ExAC 0.00002.
gnomAD v4.1: 18 of 1,596,004 alleles (0.0011%); highest among the groups gnomAD compares: Admixed American, 0.0068%; no homozygotes.

Submission:

Clinical Genomics Laboratory, Washington University in St. Louis
Classification: Uncertain significance for Lymphatic malformation 3. Last evaluated: 2023-09-23. Review status: criteria provided, single submitter. Criteria: ACMG Guidelines, 2015. Collection method: clinical testing. Allele origin: germline.
Comment: The GJC2 c.607C>T (p.Arg203Cys) variant was identified at near heterozygous allelic fraction and to our knowledge, it has not been reported in the medical literature. This variant is absent from the general population (gnomAD v.3.1.2), indicating it is not a common variant. Computational predictors suggest that the variant is damaging, evidence that correlates with impact to GJC2 function. Due to limited information, and based on ACMG/AMP guidelines for variant interpretation (Richards S et al., PMID: 25741868), this variant is classified as being of uncertain significance at this time.

NM_020435.4(GJC2):c.607C>T (p.Arg203Cys)

Gene: GJC2 (gap junction protein gamma 2; plus strand). Cytogenetic location: 1q42.13.
Variant type: single nucleotide variant.
Coding change: c.607C>T on transcript NM_020435.4 (MANE Select); coding-DNA position 607, C replaced by T.
Protein change: p.Arg203Cys; replaces arginine 203 with cysteine.
Molecular consequence: missense variant.
Genome position (GRCh38, 1-based): chr1:228,158,365, C>T. VCF-style: chr1-228158365-C-T. GRCh37 (hg19) VCF-style: chr1-228346066-C-T.
Other names: short protein forms R203C.
Identifiers: ClinVar variation 2672149 (VCV002672149.1), dbSNP rs777056926, ClinGen allele CA1430888.